The following is an entry in ClinVar:

NM_002471.4(MYH6):c.1321G>A (p.Val441Met)

Gene: MYH6 (myosin heavy chain 6; minus strand). Cytogenetic location: 14q11.2.
Variant type: single nucleotide variant.
Coding change: c.1321G>A on transcript NM_002471.4 (MANE Select); coding-DNA position 1321, G replaced by A.
Protein change: p.Val441Met; replaces valine 441 with methionine.
Molecular consequence: missense variant.
Genome position (GRCh38, 1-based): chr14:23,400,798, C>T on the plus strand (G>A on the coding strand, the complement: MYH6 is on the minus strand). VCF-style: chr14-23400798-C-T. GRCh37 (hg19) VCF-style: chr14-23870007-C-T.
Other names: short protein forms V441M.
Identifiers: ClinVar variation 2452922 (VCV002452922.4), dbSNP rs778611517, ClinGen allele CA7115841.

ClinVar aggregate classification (germline): Uncertain significance. Review status: criteria provided, multiple submitters, no conflicts (2 of 4 stars). 2 submissions from 2 submitters: Uncertain significance (2). Last evaluated 2025-05-23.

Conditions:
Cardiovascular phenotype. Identifiers: MedGen CN230736.
Hypertrophic cardiomyopathy 14. Identifiers: MedGen C2750467, MONDO:0013197, OMIM 613251.

Allele frequency attached by ClinVar (database versions not stated): TOPMed 0.00001; gnomAD 0.00001; ExAC 0.00001.
gnomAD v4.1: 2 of 1,614,112 alleles (0.00012%); highest among the groups gnomAD compares: African/African-American, 0.0027%; no homozygotes.

Submissions (2):

Labcorp Genetics (formerly Invitae), Labcorp
Classification: Uncertain significance for Hypertrophic cardiomyopathy 14. Last evaluated: 2025-05-23. Review status: criteria provided, single submitter. Criteria: Invitae Variant Classification Sherloc (09022015). Collection method: clinical testing. Allele origin: germline.
Comment: This sequence change replaces valine, which is neutral and non-polar, with methionine, which is neutral and non-polar, at codon 441 of the MYH6 protein (p.Val441Met). This variant is not present in population databases (gnomAD no frequency). This variant has not been reported in the literature in individuals affected with MYH6-related conditions. ClinVar contains an entry for this variant (Variation ID: 2452922). Invitae Evidence Modeling of protein sequence and biophysical properties (such as structural, functional, and spatial information, amino acid conservation, physicochemical variation, residue mobility, and thermodynamic stability) indicates that this missense variant is not expected to disrupt MYH6 protein function with a negative predictive value of 80%. In summary, the available evidence is currently insufficient to determine the role of this variant in disease. Therefore, it has been classified as a Variant of Uncertain Significance.

Ambry Genetics
Classification: Uncertain significance for Cardiovascular phenotype. Last evaluated: 2023-01-16. Review status: criteria provided, single submitter. Criteria: Ambry Variant Classification Scheme 2023. Collection method: clinical testing. Allele origin: germline.
Comment: The p.V441M variant (also known as c.1321G>A), located in coding exon 11 of the MYH6 gene, results from a G to A substitution at nucleotide position 1321. The valine at codon 441 is replaced by methionine, an amino acid with highly similar properties. This amino acid position is conserved. In addition, this alteration is predicted to be deleterious by in silico analysis. Since supporting evidence is limited at this time, the clinical significance of this alteration remains unclear.